The following is an entry in ClinVar:

NM_021020.5(LZTS1):c.913G>C (p.Glu305Gln)

Gene: LZTS1 (leucine zipper tumor suppressor 1; minus strand). Cytogenetic location: 8p21.3.
Variant type: single nucleotide variant.
Coding change: c.913G>C on transcript NM_021020.5 (MANE Select); coding-DNA position 913, G replaced by C.
Protein change: p.Glu305Gln; replaces glutamic acid 305 with glutamine.
Molecular consequence: missense variant.
Genome position (GRCh38, 1-based): chr8:20,253,018, C>G on the plus strand (G>C on the coding strand, the complement: LZTS1 is on the minus strand). VCF-style: chr8-20253018-C-G. GRCh37 (hg19) VCF-style: chr8-20110529-C-G.
Other names: c.913G>C, p.Glu305Gln (NM_001362884.2); c.913G>C (NM_021020.3); short protein forms E305Q.
Identifiers: ClinVar variation 1558646 (VCV001558646.10), dbSNP rs528144165, ClinGen allele CA4657405.

ClinVar aggregate classification (germline): Likely benign. Review status: criteria provided, single submitter (1 of 4 stars). 2 submissions from 2 submitters: Likely benign (1). 1 of the submissions does not count toward it. Last evaluated 2026-01-19.

Conditions:
LZTS1-related disorder. Also called: LZTS1-related condition.

Allele frequency attached by ClinVar (database versions not stated): 1000 Genomes Project 30x 0.00062; 1000 Genomes Project 0.00080.
gnomAD v4.1: 246 of 1,596,846 alleles (0.015%); highest among the groups gnomAD compares: South Asian, 0.21%; 2 homozygotes.

Submissions (2):

Labcorp Genetics (formerly Invitae), Labcorp
Classification: Likely benign. Last evaluated: 2026-01-19. Review status: criteria provided, single submitter. Criteria: Invitae Variant Classification Sherloc (09022015). Collection method: clinical testing. Allele origin: germline.

PreventionGenetics, part of Exact Sciences
Classification: Likely benign for LZTS1-related condition. Last evaluated: 2023-02-16. Review status: no assertion criteria provided. Collection method: clinical testing. Allele origin: germline. Not counted in ClinVar's aggregate classification.
Comment: This variant is classified as likely benign based on ACMG/AMP sequence variant interpretation guidelines (Richards et al. 2015 PMID: 25741868, with internal and published modifications).